The following is an entry in ClinVar:

NM_004563.4(PCK2):c.1768A>G (p.Ile590Val)

Genes: NRL (neural retina leucine zipper; minus strand), PCK2 (phosphoenolpyruvate carboxykinase 2, mitochondrial; plus strand). Cytogenetic location: 14q12.
Variant type: single nucleotide variant.
Coding change: c.1768A>G on transcript NM_004563.4 (MANE Select); coding-DNA position 1768, A replaced by G.
Protein change: p.Ile590Val; replaces isoleucine 590 with valine.
Molecular consequence: missense variant. On other transcripts: intron variant (3).
Genome position (GRCh38, 1-based): chr14:24,103,809, A>G. VCF-style: chr14-24103809-A-G. GRCh37 (hg19) VCF-style: chr14-24573018-A-G.
Other names: c.1366A>G, p.Ile456Val (NM_001291556.2, NM_001308054.2); c.-28+10913T>C (NM_001354768.3, NM_001354770.2); c.-254+10913T>C (NM_006177.5); c.1768A>G (NM_004563.2); short protein forms I456V, I590V.
Identifiers: ClinVar variation 2062396 (VCV002062396.5), dbSNP rs151126863, ClinGen allele CA7123627.
Genomic context (GRCh38, chr14:24,103,809, plus strand): 5'-GAGACACCCATTGGGCTGGTGCCAAAGGAAGGAGCCTTGGATCTCAGCGGCCTCAGAGCT[A>G]TAGACACCACTCAGCTGTTCTCCCTCCCCAAGGACTTCTGGGAACAGGAGGTTCGTGACA-3'
Protein context (NP_004554.3, residues 580-600): GALDLSGLRA[Ile590Val]DTTQLFSLPK

ClinVar aggregate classification (germline): Uncertain significance. Review status: criteria provided, multiple submitters, no conflicts (2 of 4 stars). 2 submissions from 2 submitters: Uncertain significance (2). Last evaluated 2025-08-21.

Allele frequency attached by ClinVar (database versions not stated): gnomAD exomes 0.00004; gnomAD 0.00036; 1000 Genomes Project 0.00040; 1000 Genomes Project 30x 0.00031; ExAC 0.00012; TOPMed 0.00045; ESP Exome Variant Server 0.00054.
gnomAD v4.1: 110 of 1,614,160 alleles (0.0068%); highest among the groups gnomAD compares: African/African-American, 0.14%; no homozygotes.

Submissions (2):

Ambry Genetics
Classification: Uncertain significance. Last evaluated: 2025-08-21. Review status: criteria provided, single submitter. Criteria: Ambry Variant Classification Scheme 2023. Collection method: clinical testing. Allele origin: germline.

Labcorp Genetics (formerly Invitae), Labcorp
Classification: Uncertain significance. Last evaluated: 2022-07-10. Review status: criteria provided, single submitter. Criteria: Invitae Variant Classification Sherloc (09022015). Collection method: clinical testing. Allele origin: germline.
Comment: In summary, the available evidence is currently insufficient to determine the role of this variant in disease. Therefore, it has been classified as a Variant of Uncertain Significance. This sequence change replaces isoleucine, which is neutral and non-polar, with valine, which is neutral and non-polar, at codon 590 of the PCK2 protein (p.Ile590Val). Algorithms developed to predict the effect of missense changes on protein structure and function output the following: SIFT: "Tolerated"; PolyPhen-2: "Benign"; Align-GVGD: "Class C0". The valine amino acid residue is found in multiple mammalian species, which suggests that this missense change does not adversely affect protein function. This variant has not been reported in the literature in individuals affected with PCK2-related conditions. This variant is present in population databases (rs151126863, gnomAD 0.2%), and has an allele count higher than expected for a pathogenic variant.